The following is an entry in ClinVar:

NM_130839.5(UBE3A):c.2563_2568del (p.Leu855_Lys856del)

Genes: SNHG14 (small nucleolar RNA host gene 14; plus strand), UBE3A (ubiquitin protein ligase E3A; minus strand). Cytogenetic location: 15q11.2.
Variant type: Deletion.
Coding change: c.2563_2568del on transcript NM_130839.5 (MANE Select); coding-DNA positions 2563 to 2568, 6 bases deleted (CTTAAA; older notation c.2563_2568delCTTAAA).
Protein change: p.Leu855_Lys856del.
Molecular consequence: inframe deletion. On other transcripts: non-coding transcript variant (1).
Genome position (GRCh38, 1-based): chr15:25,339,188-25,339,193, TTTAAG deleted on the plus strand (CTTAAA on the coding strand, the reverse complement: UBE3A is on the minus strand); deleting any 6 consecutive bases within chr15:25,339,188-25,339,196 gives the same sequence; the c. name uses the placement nearest the transcript's 3' end. VCF-style (leftmost placement, unchanged base first): chr15-25339187-CTTTAAG-C. GRCh37 (hg19) VCF-style: chr15-25584334-CTTTAAG-C.
Other names: NM_130839.5(UBE3A):c.2563_2568del; p.Leu855_Lys856del; c.2572_2577del, p.Leu858_Lys859del (NM_000462.5); c.2563_2568del, p.Leu855_Lys856del (NM_001354505.1, NM_001354538.2); c.2503_2508del, p.Leu835_Lys836del (NM_001354506.2, NM_001354507.2, NM_001354508.2 and 14 more transcripts); c.2407_2412del, p.Leu803_Lys804del (NM_001354545.2); c.2386_2391del, p.Leu796_Lys797del (NM_001354546.2); c.2347_2352del, p.Leu783_Lys784del (NM_001354547.2, NM_001354548.2); and 4 more.
Identifiers: ClinVar variation 217365 (VCV000217365.18), dbSNP rs863225070, ClinGen allele CA279164.

ClinVar aggregate classification (germline): Pathogenic. Review status: reviewed by expert panel (3 of 4 stars). 6 submissions from 6 submitters: Pathogenic (1). 5 of the submissions do not count toward it. Last evaluated 2022-06-30.

Conditions:
Angelman syndrome (AS). Also called: HAPPY PUPPET SYNDROME. Identifiers: Orphanet 72, MedGen C0162635, MONDO:0007113, OMIM 105830. Disease mechanism: loss of function. Inheritance: imprinting disorder, AS is caused by disruption of maternally imprinted UBE3A located within the 15q11.2-q13 Angelman syndrome/Prader-Willi syndrome (AS/PWS) region..

Submissions (6):

ClinGen Rett and Angelman-like Disorders Variant Curation Expert Panel
Classification: Pathogenic for Angelman syndrome. Last evaluated: 2022-06-30. Review status: reviewed by expert panel. Criteria: ClinGen RettAS ACMG Specifications V2. Collection method: curation. Allele origin: germline. Inheritance: Autosomal dominant inheritance.
Comment: The c.2503_2508del p.(Leu835_Lys836del) variant in UBE3A (NM_130838.2) is absent from gnomAD (PM2_supporting). The p.(Leu835_Lys836del) variant has been observed in at least 5 individuals with a diagnosis of Angelman syndrome or a neurodevelopmental phenotype consistent with UBE3A-related disease (PMID 24796722; ClinVar SCV000829845.4, SCV000491076.2, SCV000332262.4) (PS4, PP4), where it has been reported as a de novo occurrence (biological parentage both confirmed and unconfirmed) in at least 3 of these individuals (ClinVar SCV000491076.2, SCV000829845.4, SCV000332262.4) (PS2_Very strong). The p.(Leu835_Lys836del) variant causes a change in the length of 2 amino acids in the protein due to an in-frame deletion or insertion in a non-repeat region of UBE3A (PM4_supporting). In summary, the c.2503_2508del p.(Leu835_Lys836del) variant in UBE3A is classified as Pathogenic for Angelman syndrome based on the ACMG/AMP criteria (PS2_very strong, PS4_strong, PP4, PM2_supporting, PM4_supporting).

Labcorp Genetics (formerly Invitae), Labcorp
Classification: Pathogenic for Angelman syndrome. Last evaluated: 2024-06-30. Review status: criteria provided, single submitter. Criteria: Invitae Variant Classification Sherloc (09022015). Collection method: clinical testing. Allele origin: germline. Not counted in ClinVar's aggregate classification.
Comment: This variant, c.2503_2508del, results in the deletion of 2 amino acid(s) of the UBE3A protein (p.Leu835_Lys836del), but otherwise preserves the integrity of the reading frame. This variant is not present in population databases (gnomAD no frequency). This variant has been observed in individual(s) with clinical features of Angelman syndrome (PMID: 24796722). In at least one individual the variant was observed to be de novo. This variant is also known as 3090_3095delCTTAAA (p.853_854delLK). ClinVar contains an entry for this variant (Variation ID: 217365). For these reasons, this variant has been classified as Pathogenic.

3billion
Classification: Pathogenic for Angelman syndrome. Last evaluated: 2023-02-23. Review status: criteria provided, single submitter. Criteria: ACMG Guidelines, 2015. Collection method: clinical testing. Allele origin: unknown. Affected: yes. Not counted in ClinVar's aggregate classification.
Comment: The variant is not observed in the gnomAD v2.1.1 dataset. Inframe deletion located in a nonrepeat region was predicted to change the length of the protein and disrupt normal protein function. The variant has been reported multiple times as an established pathogenic variant (ClinVar ID: VCV000217365 / PMID: 24796722). Therefore, this variant is classified as Pathogenic according to the recommendation of ACMG/AMP guideline.

GeneDx
Classification: Pathogenic. Last evaluated: 2019-08-24. Review status: criteria provided, single submitter. Criteria: GeneDx Variant Classification Process June 2021. Collection method: clinical testing. Allele origin: germline. Affected: yes. Not counted in ClinVar's aggregate classification.
Comment: Reported using alternate nomenclature c.3090_3095delCTTAAA in two unrelated patients with Angelman syndrome in published literature (Goto et al., 2015); In-frame deletion of two amino acids in a non-repeat region; In silico analysis, which includes protein predictors and evolutionary conservation, supports a deleterious effect; Not observed in large population cohorts (Lek et al., 2016); This variant is associated with the following publications: (PMID: 24796722)

Eurofins Ntd Llc (ga)
Classification: Likely pathogenic. Last evaluated: 2017-08-31. Review status: criteria provided, single submitter. Criteria: EGL Classification Definitions 2015. Collection method: clinical testing. Allele origin: germline. Observed: 1 variant allele, 1 heterozygote. Not counted in ClinVar's aggregate classification.

Genomic Diagnostic Laboratory, Division of Genomic Diagnostics, Children's Hospital of Philadelphia
Classification: Likely pathogenic. Last evaluated: 2015-03-06. Review status: no assertion criteria provided. Collection method: clinical testing. Allele origin: germline. Not counted in ClinVar's aggregate classification.

Literature cited by the submitters: PubMed 24796722 (cited by Labcorp Genetics (formerly Invitae), Labcorp and 3billion).